The following is an entry in ClinVar:

ClinVar aggregate classification (germline): Uncertain significance (1 of 4 stars; one submission).

Conditions:
Hereditary cancer-predisposing syndrome. Also called: Hereditary Cancer Syndrome; Hereditary neoplastic syndrome; Neoplastic Syndromes, Hereditary; Tumor predisposition. Identifiers: Orphanet 140162, MedGen C0027672, MeSH D009386, MONDO:0015356.

Submission:

Ambry Genetics
Classification: Uncertain significance for Hereditary cancer-predisposing syndrome. Last evaluated: 2025-07-09. Review status: criteria provided, single submitter. Criteria: Ambry Variant Classification Scheme 2023. Collection method: clinical testing. Allele origin: germline.
Comment: The p.R111P variant (also known as c.332G>C), located in coding exon 1 of the GREM1 gene, results from a G to C substitution at nucleotide position 332. The arginine at codon 111 is replaced by proline, an amino acid with dissimilar properties. This amino acid position is conserved. In addition, the in silico prediction for this alteration is inconclusive. Based on the available evidence, the clinical significance of this variant remains unclear.

NM_013372.7(GREM1):c.332G>C (p.Arg111Pro)

Gene: GREM1 (gremlin 1, DAN family BMP antagonist; plus strand). Cytogenetic location: 15q13.3.
Variant type: single nucleotide variant.
Coding change: c.332G>C on transcript NM_013372.7 (MANE Select); coding-DNA position 332, G replaced by C.
Protein change: p.Arg111Pro; replaces arginine 111 with proline.
Molecular consequence: missense variant.
Genome position (GRCh38, 1-based): chr15:32,731,022, G>C. VCF-style: chr15-32731022-G-C. GRCh37 (hg19) VCF-style: chr15-33023223-G-C.
Other names: c.122G>C, p.Arg41Pro (NM_001191322.2); c.209G>C, p.Arg70Pro (NM_001191323.2); c.332G>C, p.Arg111Pro (NM_001368719.1); short protein forms R111P, R41P, R70P.
Identifiers: ClinVar variation 4266789 (VCV004266789.1).